The following is an entry in ClinVar:

ClinVar aggregate classification (germline): Uncertain significance (1 of 4 stars; one submission).

Allele frequency attached by ClinVar (database versions not stated): gnomAD exomes below 0.00001.
gnomAD v4.1: 1 of 1,606,024 alleles (0.000062%); highest among the groups gnomAD compares: Non-Finnish European, 0.000085%; no homozygotes.

Submission:

Labcorp Genetics (formerly Invitae), Labcorp
Classification: Uncertain significance. Last evaluated: 2021-04-08. Review status: criteria provided, single submitter. Criteria: Invitae Variant Classification Sherloc (09022015). Collection method: clinical testing. Allele origin: germline.
Comment: In summary, the available evidence is currently insufficient to determine the role of this variant in disease. Therefore, it has been classified as a Variant of Uncertain Significance. Nucleotide substitutions within the consensus splice site are a relatively common cause of aberrant splicing (PMID: 17576681, 9536098). Algorithms developed to predict the effect of sequence changes on RNA splicing suggest that this variant may disrupt the consensus splice site, but this prediction has not been confirmed by published transcriptional studies. This variant has not been reported in the literature in individuals with NEDD4L-related conditions. This variant is not present in population databases (ExAC no frequency). This sequence change falls in intron 1 of the NEDD4L gene. It does not directly change the encoded amino acid sequence of the NEDD4L protein. It affects a nucleotide within the consensus splice site of the intron.

Literature cited by the submitters: PubMed 17576681; PubMed 9536098.

NM_001144967.3(NEDD4L):c.48+5G>A

Genes: NEDD4L (NEDD4 like E3 ubiquitin protein ligase; plus strand), LOC130062568 (ATAC-STARR-seq lymphoblastoid silent region 9483; plus strand). Cytogenetic location: 18q21.31.
Variant type: single nucleotide variant.
Coding change: c.48+5G>A on transcript NM_001144967.3 (MANE Select); 5 bases into the intron after coding-DNA position 48, G replaced by A.
Molecular consequence: intron variant.
Genome position (GRCh38, 1-based): chr18:58,044,713, G>A. VCF-style: chr18-58044713-G-A. GRCh37 (hg19) VCF-style: chr18-55711945-G-A.
Other names: c.48+5G>A (NM_015277.6, NM_001243960.2).
Identifiers: ClinVar variation 1499986 (VCV001499986.6), dbSNP rs2144326212, ClinGen allele CA2573155445.
Genomic context (GRCh38, chr18:58,044,713, plus strand): 5'-CCGGCTCCATGGCGACCGGGCTCGGGGAGCCGGTCTATGGACTTTCCGAAGACGAGGTGA[G>A]TGGCACCCCCTTCCTGCTCGGGACTCCCCGGGGAGTTCCTATCCCGCGCCGGCAGGGGGA-3'